The following is an entry in ClinVar:

ClinVar aggregate classification (germline): Uncertain significance. Review status: criteria provided, multiple submitters, no conflicts (2 of 4 stars). 2 submissions from 2 submitters: Uncertain significance (2). Last evaluated 2024-12-30.

Conditions:
Inborn genetic diseases. Identifiers: MedGen C0950123, MeSH D030342.

Allele frequency attached by ClinVar (database versions not stated): gnomAD exomes below 0.00001.
gnomAD v4.1: 1 of 1,613,746 alleles (0.000062%); highest among the groups gnomAD compares: Non-Finnish European, 0.000085%; no homozygotes.

Submissions (2):

Mayo Clinic Laboratories, Mayo Clinic
Classification: Uncertain significance. Last evaluated: 2024-12-30. Review status: criteria provided, single submitter. Criteria: ACMG Guidelines, 2015. Collection method: clinical testing. Allele origin: germline. Observed: 1 variant allele.
Comment: BP4_moderate, PM2_supporting

Ambry Genetics
Classification: Uncertain significance for Inborn genetic diseases. Last evaluated: 2021-12-03. Review status: criteria provided, single submitter. Criteria: Ambry Variant Classification Scheme 2023. Collection method: clinical testing. Allele origin: germline.

NM_014363.6(SACS):c.6139C>A (p.Leu2047Ile)

Gene: SACS (sacsin molecular chaperone; minus strand). Cytogenetic location: 13q12.12.
Variant type: single nucleotide variant.
Coding change: c.6139C>A on transcript NM_014363.6 (MANE Select); coding-DNA position 6139, C replaced by A.
Protein change: p.Leu2047Ile; replaces leucine 2047 with isoleucine.
Molecular consequence: missense variant.
Genome position (GRCh38, 1-based): chr13:23,337,737, G>T on the plus strand (C>A on the coding strand, the complement: SACS is on the minus strand). VCF-style: chr13-23337737-G-T. GRCh37 (hg19) VCF-style: chr13-23911876-G-T.
Other names: p.Leu2047Ile; c.5698C>A, p.Leu1900Ile (NM_001278055.2); short protein forms L1900I, L2047I.
Identifiers: ClinVar variation 2263531 (VCV002263531.3), dbSNP rs2542254863, ClinGen allele CA387523818.